The following is an entry in ClinVar:

NM_000238.4(KCNH2):c.180G>A (p.Met60Ile)

Gene: KCNH2 (potassium voltage-gated channel subfamily H member 2; minus strand). Cytogenetic location: 7q36.1.
Variant type: single nucleotide variant.
Coding change: c.180G>A on transcript NM_000238.4 (MANE Select); coding-DNA position 180, G replaced by A.
Protein change: p.Met60Ile; replaces methionine 60 with isoleucine.
Molecular consequence: missense variant.
Genome position (GRCh38, 1-based): chr7:150,974,838, C>T on the plus strand (G>A on the coding strand, the complement: KCNH2 is on the minus strand). VCF-style: chr7-150974838-C-T. GRCh37 (hg19) VCF-style: chr7-150671926-C-T.
Other names: c.3G>A, p.Met1Ile (NM_001406755.1); c.180G>A, p.Met60Ile (NM_172056.3); short protein forms M1I, M60I.
Identifiers: ClinVar variation 1990208 (VCV001990208.4), dbSNP rs2486156355, ClinGen allele CA369865716.

ClinVar aggregate classification (germline): Uncertain significance (1 of 4 stars; one submission).

Conditions:
Long QT syndrome (LQTS). Identifiers: MedGen C0023976, MeSH D008133, MONDO:0002442. Disease mechanism: loss of function. Inheritance: Various modes of inheritance.

Submission:

Labcorp Genetics (formerly Invitae), Labcorp
Classification: Uncertain significance for Long QT syndrome. Last evaluated: 2023-12-06. Review status: criteria provided, single submitter. Criteria: Invitae Variant Classification Sherloc (09022015). Collection method: clinical testing. Allele origin: germline.
Comment: This sequence change replaces methionine, which is neutral and non-polar, with isoleucine, which is neutral and non-polar, at codon 60 of the KCNH2 protein (p.Met60Ile). This variant is not present in population databases (gnomAD no frequency). This variant has not been reported in the literature in individuals affected with KCNH2-related conditions. ClinVar contains an entry for this variant (Variation ID: 1990208). An algorithm developed to predict the effect of missense changes on protein structure and function (PolyPhen-2) suggests that this variant is likely to be tolerated. In summary, the available evidence is currently insufficient to determine the role of this variant in disease. Therefore, it has been classified as a Variant of Uncertain Significance.